The following is an entry in ClinVar:

NM_022726.4(ELOVL4):c.289-2A>G

Gene: ELOVL4 (ELOVL fatty acid elongase 4; minus strand). Cytogenetic location: 6q14.1.
Variant type: single nucleotide variant.
Coding change: c.289-2A>G on transcript NM_022726.4 (MANE Select); the canonical splice acceptor site of the intron before coding-DNA position 289, A replaced by G.
Molecular consequence: splice acceptor variant.
Genome position (GRCh38, 1-based): chr6:79,925,034, T>C on the plus strand (A>G on the coding strand, the complement: ELOVL4 is on the minus strand). VCF-style: chr6-79925034-T-C. GRCh37 (hg19) VCF-style: chr6-80634751-T-C.
Identifiers: ClinVar variation 433192 (VCV000433192.3), dbSNP rs1554162524, ClinGen allele CA364657219.
Genomic context (GRCh38, chr6:79,925,034, plus strand): 5'-GAATAATCCACACTCTGGCAAATATAGCTATATCCCGCATTATATGATCCCATGAATAAC[T>C]GGAAAAAGAGTAATAATATTTGTAGTAAAGTTTTAGTAAACACAGCATTAAAAACACAAT-3'

ClinVar aggregate classification (germline): Likely pathogenic. Review status: criteria provided, single submitter (1 of 4 stars). 2 submissions from 2 submitters: Likely pathogenic (1). 1 of the submissions does not count toward it. Last evaluated 2022-10-19.

Conditions:
ELOVL4-related disorder. Also called: ELOVL4-related disorders; ELOVL4-related condition.
Ichthyosis, spastic quadriplegia, and impaired intellectual development. Also called: Congenital ichthyosis-intellectual disability-spastic quadriplegia syndrome. Identifiers: Orphanet 352333, MedGen C3280856, MONDO:0013760, OMIM 614457.

Submissions (2):

Women's Health and Genetics/Laboratory Corporation of America, LabCorp
Classification: Likely pathogenic for ELOVL4-Related Disorders. Last evaluated: 2022-10-19. Review status: criteria provided, single submitter. Criteria: LabCorp Variant Classification Summary - May 2015. Collection method: clinical testing. Allele origin: germline.
Comment: Variant summary: ELOVL4 c.289-2A>G is located in a canonical splice-site and is predicted to affect mRNA splicing resulting in a significantly altered protein due to either exon skipping, shortening, or inclusion of intronic material. Several computational tools predict a significant impact on normal splicing: Four predict the variant abolishes a 3' acceptor site. However, these predictions have yet to be confirmed by functional studies. The variant was absent in 250232 control chromosomes. To our knowledge, no occurrence of c.289-2A>G in individuals affected with ELOVL4-Related Disorder and no experimental evidence demonstrating its impact on protein function have been reported. One clinical diagnostic laboratory has submitted clinical-significance assessments for this variant to ClinVar after 2014 without evidence for independent evaluation. One laboratory classified the variant as likely pathogenic. Based on the evidence outlined above, the variant was classified as likely pathogenic.

Foundation for Research in Genetics and Endocrinology, FRIGE's Institute of Human Genetics
Classification: Likely pathogenic for Ichthyosis, spastic quadriplegia, and impaired intellectual development. Last evaluated: 2017-07-06. Review status: no assertion criteria provided. Collection method: clinical testing. Allele origin: germline. Inheritance: Autosomal recessive inheritance. Affected: no. Observed: 1 variant allele, 1 heterozygote. Not counted in ClinVar's aggregate classification.
Comment: This variant has not been reported in 1000 Genomes and ExAC. However, this variant is been reported as damaging by Mutation Taster.